The following is an entry in ClinVar:

NM_133642.5(LARGE1):c.1909A>C (p.Thr637Pro)

Gene: LARGE1 (LARGE xylosyl- and glucuronyltransferase 1; minus strand). Cytogenetic location: 22q12.3.
Variant type: single nucleotide variant.
Coding change: c.1909A>C on transcript NM_133642.5 (MANE Select); coding-DNA position 1909, A replaced by C.
Protein change: p.Thr637Pro; replaces threonine 637 with proline.
Molecular consequence: missense variant.
Genome position (GRCh38, 1-based): chr22:33,277,224, T>G on the plus strand (A>C on the coding strand, the complement: LARGE1 is on the minus strand). VCF-style: chr22-33277224-T-G. GRCh37 (hg19) VCF-style: chr22-33673210-T-G.
Other names: c.1909A>C, p.Thr637Pro (NM_001362949.2, NM_004737.7, NM_001362951.2 and 4 more transcripts); c.1003A>C, p.Thr335Pro (NM_001378631.1); c.1762A>C, p.Thr588Pro (NM_001378627.1, NM_001378628.1); c.1753A>C, p.Thr585Pro (NM_001378629.1); c.1306A>C, p.Thr436Pro (NM_001378630.1); short protein forms T335P, T436P, T585P, T588P, T637P.
Identifiers: ClinVar variation 4084585 (VCV004084585.8).

ClinVar aggregate classification (germline): Uncertain significance (1 of 4 stars; one submission).

Submission:

CeGaT Center for Human Genetics Tuebingen
Classification: Uncertain significance. Last evaluated: 2025-08-01. Review status: criteria provided, single submitter. Criteria: CeGaT Center For Human Genetics Tuebingen Variant Classification Criteria Version 2. Collection method: clinical testing. Allele origin: germline. Affected: yes. Observed: 1 variant allele.
Comment: LARGE1: PM2, PM3